The following is an entry in ClinVar:

NM_003998.4(NFKB1):c.1322A>G (p.Lys441Arg)

Gene: NFKB1 (nuclear factor kappa B subunit 1; plus strand). Cytogenetic location: 4q24.
Variant type: single nucleotide variant.
Coding change: c.1322A>G on transcript NM_003998.4 (MANE Select); coding-DNA position 1322, A replaced by G.
Protein change: p.Lys441Arg; replaces lysine 441 with arginine.
Molecular consequence: missense variant.
Genome position (GRCh38, 1-based): chr4:102,596,159, A>G. VCF-style: chr4-102596159-A-G. GRCh37 (hg19) VCF-style: chr4-103517316-A-G.
Other names: c.1319A>G, p.Lys440Arg (NM_001165412.2, NM_001319226.2, NM_001382627.1); c.1322A>G, p.Lys441Arg (NM_001382625.1, NM_001382626.1); c.1280A>G, p.Lys427Arg (NM_001382628.1); short protein forms K441R, K427R, K440R.
Identifiers: ClinVar variation 2148923 (VCV002148923.4), dbSNP rs776709082, ClinGen allele CA3026133.

ClinVar aggregate classification (germline): Uncertain significance (1 of 4 stars; one submission).

Allele frequency attached by ClinVar (database versions not stated): ExAC 0.00004; TOPMed 0.00006; gnomAD 0.00007; gnomAD exomes 0.00007.
gnomAD v4.1: 106 of 1,603,554 alleles (0.0066%); highest among the groups gnomAD compares: South Asian, 0.028%; 1 homozygote.

Submission:

Labcorp Genetics (formerly Invitae), Labcorp
Classification: Uncertain significance. Last evaluated: 2025-10-15. Review status: criteria provided, single submitter. Criteria: Invitae Variant Classification Sherloc (09022015). Collection method: clinical testing. Allele origin: germline.
Comment: This sequence change replaces lysine, which is basic and polar, with arginine, which is basic and polar, at codon 441 of the NFKB1 protein (p.Lys441Arg). This variant is present in population databases (rs776709082, gnomAD 0.03%). This variant has not been reported in the literature in individuals affected with NFKB1-related conditions. ClinVar contains an entry for this variant (Variation ID: 2148923). An algorithm developed to predict the effect of missense changes on protein structure and function (PolyPhen-2) suggests that this variant is likely to be tolerated. In summary, the available evidence is currently insufficient to determine the role of this variant in disease. Therefore, it has been classified as a Variant of Uncertain Significance.